The following is an entry in ClinVar:

NM_001754.5(RUNX1):c.*3417A>G

Gene: RUNX1 (RUNX family transcription factor 1; minus strand). Cytogenetic location: 21q22.12.
Variant type: single nucleotide variant.
Coding change: c.*3417A>G on transcript NM_001754.5 (MANE Select); 3417 bases downstream of the stop codon, A replaced by G.
Molecular consequence: 3 prime UTR variant.
Genome position (GRCh38, 1-based): chr21:34,788,718, T>C on the plus strand (A>G on the coding strand, the complement: RUNX1 is on the minus strand). VCF-style: chr21-34788718-T-C. GRCh37 (hg19) VCF-style: chr21-36161015-T-C.
Other names: c.*3417A>G (NM_001001890.3).
Identifiers: ClinVar variation 339808 (VCV000339808.6), dbSNP rs529009591, ClinGen allele CA10653549.

ClinVar aggregate classification (germline): Likely benign. Review status: reviewed by expert panel (3 of 4 stars). 2 submissions from 2 submitters: Likely benign (1). 1 of the submissions does not count toward it. Last evaluated 2025-01-15.

Conditions:
Hereditary thrombocytopenia and hematologic cancer predisposition syndrome. Identifiers: Orphanet 71290, MedGen CN281654, MONDO:0011071.
Hereditary thrombocytopenia and hematological cancer predisposition syndrome associated with RUNX1. Also called: PLATELET DISORDER, ASPIRIN-LIKE; RUNX1 Familial Platelet Disorder with Associated Myeloid Malignancies; Familial Platelet Disorder with Propensity to Acute Myelogenous Leukemia; Familial thrombocytopenia with propensity to acute myelogenous leukemia. Identifiers: Orphanet 71290, MedGen C1832388, MeSH C563324, MONDO:0100083, OMIM 601399.

Allele frequency attached by ClinVar (database versions not stated): gnomAD 0.00028 and 0.00027; gnomAD exomes 0.00009; 1000 Genomes Project 30x 0.00016; TOPMed 0.00020.
gnomAD v4.1: 49 of 233,464 alleles (0.021%); highest among the groups gnomAD compares: Admixed American, 0.17%; 1 homozygote.

Submissions (2):

ClinGen Myeloid Malignancy Variant Curation Expert Panel
Classification: Likely benign for Hereditary thrombocytopenia and hematologic cancer predisposition syndrome. Last evaluated: 2025-01-15. Review status: reviewed by expert panel. Criteria: ClinGen MyeloMalig ACMG Specifications v2. Collection method: curation. Allele origin: germline. Inheritance: Autosomal dominant inheritance.
Comment: NM_001754.5(RUNX1):c.*3417A>G is a 3' UTR variant which has a MAF of 0.0001764 (0.01764%, 12/68008, 12 alleles) in the European (non-Finnish) subpopulation of the gnomAD v4 cohort which is between 0.00015 (0.015%) and 0.0015 (0.15%) (BS1). In summary, this variant meets criteria to be classified as likely benign. ACMG/AMP criteria applied, as specified by the Myeloid Malignancy Variant Curation Expert Panel for RUNX1: BS1.

Illumina Laboratory Services, Illumina
Classification: Uncertain significance for Hereditary thrombocytopenia and hematological cancer predisposition syndrome associated with RUNX1. Last evaluated: 2018-01-12. Review status: criteria provided, single submitter. Criteria: ICSL Variant Classification Criteria 13 December 2019. Collection method: clinical testing. Allele origin: germline. Not counted in ClinVar's aggregate classification.